The following is an entry in ClinVar:

NM_001367949.2(FAT3):c.11387A>G (p.Asn3796Ser)

Gene: FAT3 (FAT atypical cadherin 3; plus strand). Cytogenetic location: 11q14.3.
Variant type: single nucleotide variant.
Coding change: c.11387A>G on transcript NM_001367949.2 (MANE Select); coding-DNA position 11387, A replaced by G.
Protein change: p.Asn3796Ser; replaces asparagine 3796 with serine.
Molecular consequence: missense variant.
Genome position (GRCh38, 1-based): chr11:92,857,235, A>G. VCF-style: chr11-92857235-A-G. GRCh37 (hg19) VCF-style: chr11-92590401-A-G.
Other names: c.11387A>G, p.Asn3796Ser (NM_001008781.3); short protein forms N3796S.
Identifiers: ClinVar variation 3046599 (VCV003046599.3), dbSNP rs189080743, ClinGen allele CA6228330.
Genomic context (GRCh38, chr11:92,857,235, plus strand): 5'-CTTTGTGTACTGATCATGCATATTCCACCTTTGTCACAGGAGGACTGTGTCCGGGGTCCA[A>G]CGATCCTTGTGTGGAGAAGCCGTGTCCAGGGGACATGCAGTGTGTCAGTTATGAAGCCAG-3'
Protein context (NP_001354878.1, residues 3786-3806): TCNGGLCPGS[Asn3796Ser]DPCVEKPCPG

ClinVar aggregate classification (germline): Uncertain significance. Review status: criteria provided, single submitter (1 of 4 stars). 2 submissions from 2 submitters: Uncertain significance (1). 1 of the submissions does not count toward it. Last evaluated 2025-08-28.

Conditions:
FAT3-related disorder. Also called: FAT3-related condition.

Allele frequency attached by ClinVar (database versions not stated): ExAC 0.00040; 1000 Genomes Project 0.00080; 1000 Genomes Project 30x 0.00094; gnomAD 0.00139; TOPMed 0.00157; ESP Exome Variant Server 0.00178.
gnomAD v4.1: 412 of 1,613,982 alleles (0.026%); highest among the groups gnomAD compares: African/African-American, 0.48%; 3 homozygotes.

Submissions (2):

Ambry Genetics
Classification: Uncertain significance. Last evaluated: 2025-08-28. Review status: criteria provided, single submitter. Criteria: Ambry Variant Classification Scheme 2023. Collection method: clinical testing. Allele origin: germline.

PreventionGenetics, part of Exact Sciences
Classification: Likely benign for FAT3-related condition. Last evaluated: 2023-04-11. Review status: no assertion criteria provided. Collection method: clinical testing. Allele origin: germline. Not counted in ClinVar's aggregate classification.
Comment: This variant is classified as likely benign based on ACMG/AMP sequence variant interpretation guidelines (Richards et al. 2015 PMID: 25741868, with internal and published modifications).